The following is an entry in ClinVar:

NM_015450.3(POT1):c.1522A>G (p.Ser508Gly)

Gene: POT1 (protection of telomeres 1; minus strand). Cytogenetic location: 7q31.33.
Variant type: single nucleotide variant.
Coding change: c.1522A>G on transcript NM_015450.3 (MANE Select); coding-DNA position 1522, A replaced by G.
Protein change: p.Ser508Gly; replaces serine 508 with glycine.
Molecular consequence: missense variant. On other transcripts: non-coding transcript variant (2).
Genome position (GRCh38, 1-based): chr7:124,829,326, T>C on the plus strand (A>G on the coding strand, the complement: POT1 is on the minus strand). VCF-style: chr7-124829326-T-C. GRCh37 (hg19) VCF-style: chr7-124469380-T-C.
Other names: c.1129A>G, p.Ser377Gly (NM_001042594.2); short protein forms S377G, S508G.
Identifiers: ClinVar variation 3308948 (VCV003308948.1).

ClinVar aggregate classification (germline): Uncertain significance (1 of 4 stars; one submission).

Conditions:
Hereditary cancer-predisposing syndrome. Also called: Neoplastic Syndromes, Hereditary; Tumor predisposition; Hereditary neoplastic syndrome; Hereditary Cancer Syndrome. Identifiers: Orphanet 140162, MedGen C0027672, MeSH D009386, MONDO:0015356.

gnomAD v4.1: 2 of 1,578,168 alleles (0.00013%); highest among the groups gnomAD compares: Non-Finnish European, 0.00017%; no homozygotes.

Submission:

Ambry Genetics
Classification: Uncertain significance for Hereditary cancer-predisposing syndrome. Last evaluated: 2024-05-07. Review status: criteria provided, single submitter. Criteria: Ambry Variant Classification Scheme 2023. Collection method: clinical testing. Allele origin: germline.
Comment: The p.S508G variant (also known as c.1522A>G), located in coding exon 12 of the POT1 gene, results from an A to G substitution at nucleotide position 1522. The serine at codon 508 is replaced by glycine, an amino acid with similar properties. This amino acid position is conserved. In addition, this alteration is predicted to be tolerated by in silico analysis. Based on the available evidence, the clinical significance of this variant remains unclear.